The following is an entry in ClinVar:

ClinVar aggregate classification (germline): Likely pathogenic (1 of 4 stars; one submission).

Conditions:
Smith-Magenis syndrome (SMS). Also called: CHROMOSOME 17p11.2 DELETION SYNDROME. Identifiers: Orphanet 819, MedGen C0795864, MONDO:0008434, OMIM 182290.

Submission:

Women's Health and Genetics/Laboratory Corporation of America, LabCorp
Classification: Likely pathogenic for Smith-Magenis syndrome. Last evaluated: 2022-08-18. Review status: criteria provided, single submitter. Criteria: LabCorp Variant Classification Summary - May 2015. Collection method: clinical testing. Allele origin: germline.
Comment: Variant summary: RAI1 c.3534_3547del14 (p.Asp1179AlafsX33) results in a premature termination codon, predicted to cause a truncation of the encoded protein or absence of the protein due to nonsense mediated decay, which are commonly known mechanisms for disease. Truncations downstream of this position have been classified as pathogenic in Clinvar and associated with Smith-Magenis syndrome in HGMD. The variant was absent in 247060 control chromosomes. To our knowledge, no occurrence of c.3534_3547del14 in individuals affected with Smith-Magenis Syndrome and no experimental evidence demonstrating its impact on protein function have been reported. No clinical diagnostic laboratories have submitted clinical-significance assessments for this variant to ClinVar after 2014. Based on the evidence outlined above, the variant was classified as likely pathogenic.

NM_030665.4(RAI1):c.3534_3547del (p.Asp1179fs)

Gene: RAI1 (retinoic acid induced 1; plus strand). Cytogenetic location: 17p11.2.
Variant type: Deletion.
Coding change: c.3534_3547del on transcript NM_030665.4 (MANE Select); coding-DNA positions 3534 to 3547, 14 bases deleted (CGACAACAGCCACT).
Protein change: p.Asp1179fs; shifts the reading frame from aspartic acid 1179.
Molecular consequence: frameshift variant.
Genome position (GRCh38, 1-based): chr17:17,796,482-17,796,495, CGACAACAGCCACT deleted; deleting any 14 consecutive bases within chr17:17,796,480-17,796,495 gives the same sequence; the c. name uses the placement nearest the transcript's 3' end. VCF-style (leftmost placement, unchanged base first): chr17-17796479-CCTCGACAACAGCCA-C. GRCh37 (hg19) VCF-style: chr17-17699793-CCTCGACAACAGCCA-C.
Other names: short protein forms D1179fs.
Identifiers: ClinVar variation 1705141 (VCV001705141.1), dbSNP rs2508587478, ClinGen allele CA2580093112.